The following is an entry in ClinVar:

ClinVar aggregate classification (germline): Uncertain significance. Review status: criteria provided, multiple submitters, no conflicts (2 of 4 stars). 2 submissions from 2 submitters: Uncertain significance (2). Last evaluated 2024-02-28.

Conditions:
Axenfeld-Rieger syndrome type 3 (RIEG3). Also called: AXENFELD-RIEGER ANOMALY WITH CARDIAC DEFECTS AND/OR SENSORINEURAL HEARING LOSS. Identifiers: Orphanet 782, MedGen C2678503, MONDO:0011233, OMIM 602482.
Anterior segment dysgenesis 3 (ASGD3). Also called: Glaucoma iridogoniodysplasia, familial; IRIDOGONIODYSGENESIS ANOMALY, AUTOSOMAL DOMINANT. Identifiers: Orphanet 91483, MedGen C5975707, MONDO:0024456, OMIM 601631.

Allele frequency attached by ClinVar (database versions not stated): gnomAD 0.00001; gnomAD exomes 0.00001; TOPMed 0.00002.

Submissions (2):

Fulgent Genetics
Classification: Uncertain significance for Anterior segment dysgenesis 3; Axenfeld-Rieger syndrome type 3. Last evaluated: 2024-02-28. Review status: criteria provided, single submitter. Criteria: ACMG Guidelines, 2015. Collection method: clinical testing. Allele origin: germline.

Labcorp Genetics (formerly Invitae), Labcorp
Classification: Uncertain significance for Axenfeld-Rieger syndrome type 3. Last evaluated: 2024-02-16. Review status: criteria provided, single submitter. Criteria: Invitae Variant Classification Sherloc (09022015). Collection method: clinical testing. Allele origin: germline.
Comment: This sequence change replaces glycine, which is neutral and non-polar, with cysteine, which is neutral and slightly polar, at codon 410 of the FOXC1 protein (p.Gly410Cys). This variant is not present in population databases (gnomAD no frequency). This variant has not been reported in the literature in individuals affected with FOXC1-related conditions. An algorithm developed to predict the effect of missense changes on protein structure and function (PolyPhen-2) suggests that this variant is likely to be disruptive. In summary, the available evidence is currently insufficient to determine the role of this variant in disease. Therefore, it has been classified as a Variant of Uncertain Significance.

NM_001453.3(FOXC1):c.1228G>T (p.Gly410Cys)

Gene: FOXC1 (forkhead box C1; plus strand). Cytogenetic location: 6p25.3.
Variant type: single nucleotide variant.
Coding change: c.1228G>T on transcript NM_001453.3 (MANE Select); coding-DNA position 1228, G replaced by T.
Protein change: p.Gly410Cys; replaces glycine 410 with cysteine.
Molecular consequence: missense variant.
Genome position (GRCh38, 1-based): chr6:1,611,673, G>T. VCF-style: chr6-1611673-G-T. GRCh37 (hg19) VCF-style: chr6-1611908-G-T.
Other names: short protein forms G410C.
Identifiers: ClinVar variation 3021131 (VCV003021131.4), dbSNP rs1157396004, ClinGen allele CA362560485.